The following is an entry in ClinVar:

NM_139076.3(ABRAXAS1):c.916G>C (p.Val306Leu)

Gene: ABRAXAS1 (abraxas 1, BRCA1 A complex subunit; minus strand). Cytogenetic location: 4q21.23.
Variant type: single nucleotide variant.
Coding change: c.916G>C on transcript NM_139076.3 (MANE Select); coding-DNA position 916, G replaced by C.
Protein change: p.Val306Leu; replaces valine 306 with leucine.
Molecular consequence: missense variant.
Genome position (GRCh38, 1-based): chr4:83,462,783, C>G on the plus strand (G>C on the coding strand, the complement: ABRAXAS1 is on the minus strand). VCF-style: chr4-83462783-C-G. GRCh37 (hg19) VCF-style: chr4-84383936-C-G.
Other names: c.589G>C, p.Val197Leu (NM_001345962.2); short protein forms V197L, V306L.
Identifiers: ClinVar variation 1009245 (VCV001009245.11), dbSNP rs758777622, ClinGen allele CA2990412.

ClinVar aggregate classification (germline): Conflicting classifications of pathogenicity. Review status: criteria provided, conflicting classifications (1 of 4 stars). 2 submissions from 2 submitters: Uncertain significance (1); Likely benign (1). Last evaluated 2024-03-25.

Allele frequency attached by ClinVar (database versions not stated): gnomAD exomes 0.00001; ExAC 0.00002.
gnomAD v4.1: 3 of 1,613,948 alleles (0.00019%); highest among the groups gnomAD compares: Non-Finnish European, 0.00025%; no homozygotes.

Submissions (2):

Ambry Genetics
Classification: Likely benign. Last evaluated: 2024-03-25. Review status: criteria provided, single submitter. Criteria: Ambry Variant Classification Scheme 2023. Collection method: clinical testing. Allele origin: germline.

Labcorp Genetics (formerly Invitae), Labcorp
Classification: Uncertain significance. Last evaluated: 2022-01-27. Review status: criteria provided, single submitter. Criteria: Invitae Variant Classification Sherloc (09022015). Collection method: clinical testing. Allele origin: germline.
Comment: This sequence change replaces valine, which is neutral and non-polar, with leucine, which is neutral and non-polar, at codon 306 of the ABRAXAS1 protein (p.Val306Leu). This variant is present in population databases (rs758777622, gnomAD 0.003%). This variant has not been reported in the literature in individuals affected with ABRAXAS1-related conditions. ClinVar contains an entry for this variant (Variation ID: 1009245). Algorithms developed to predict the effect of missense changes on protein structure and function (SIFT, PolyPhen-2, Align-GVGD) all suggest that this variant is likely to be tolerated. In summary, the available evidence is currently insufficient to determine the role of this variant in disease. Therefore, it has been classified as a Variant of Uncertain Significance.